The following is an entry in ClinVar:

NC_012920.1(MT-TH):m.12141A>G

Gene: MT-TH (mitochondrially encoded tRNA histidine; plus strand).
Variant type: single nucleotide variant.
Genome position: chrM-12141-A-G.
Identifiers: ClinVar variation 690129 (VCV000690129.1), dbSNP rs1603223565, ClinGen allele CA913169476.
Genomic context (GRCh38, chrMT:12,141, plus strand): 5'-TATCCCCCATTCTCCTCCTATCCCTCAACCCCGACATCATTACCGGGTTTTCCTCTTGTA[A>G]ATATAGTTTAACCAAAACATCAGATTGTGAATCTGACAACAGAGGCTTACGACCCCTTAT-3'

ClinVar aggregate classification (germline): Benign (1 of 4 stars; one submission).

Conditions:
MELAS syndrome (MELAS). Also called: Juvenile myopathy, encephalopathy, lactic acidosis, stroke. Identifiers: Orphanet 550, MedGen C0162671, MONDO:0010789, OMIM 540000.

Submission:

Wong Mito Lab, Molecular and Human Genetics, Baylor College of Medicine
Classification: Benign for MELAS syndrome. Last evaluated: 2019-07-12. Review status: criteria provided, single submitter. Criteria: Modified ACMG Guidelines (Unpublished). Collection method: clinical testing. Allele origin: germline.
Comment: The NC_012920.1:m.12141A>G variant in MT-TH gene is interpreted to be a Benign variant based on the modified ACMG guidelines (unpublished). This variant meets the following evidence codes reported in the guidelines: BS1, BS4, BP4

Literature cited by the submitters: PubMed 31965079.